The following is an entry in ClinVar:

ClinVar aggregate classification (germline): Conflicting classifications of pathogenicity. Review status: criteria provided, conflicting classifications (1 of 4 stars). 5 submissions from 5 submitters: Uncertain significance (2); Likely benign (3). Last evaluated 2026-08-01.

Conditions:
Early-infantile DEE. Also called: Early infantile epileptic encephalopathy with suppression bursts; Ohtahara syndrome; Early infantile epileptic encephalopathy. Identifiers: Orphanet 1934, MedGen C0393706, MONDO:0800491.

Allele frequency attached by ClinVar (database versions not stated): ExAC 0.00002; gnomAD 0.00002 and 0.00003; gnomAD exomes 0.00002 and 0.00004; TOPMed 0.00002.
gnomAD v4.1: 63 of 1,613,174 alleles (0.0039%); highest among the groups gnomAD compares: Non-Finnish European, 0.0043%; no homozygotes.

Submissions (5):

CeGaT Center for Human Genetics Tuebingen
Classification: Likely benign. Last evaluated: 2026-08-01. Review status: criteria provided, single submitter. Criteria: CeGaT Center For Human Genetics Tuebingen Variant Classification Criteria Version 2. Collection method: clinical testing. Allele origin: germline. Affected: yes. Observed: 1 variant allele.
Comment: SCN8A: PP2, PP3, BS2

Labcorp Genetics (formerly Invitae), Labcorp
Classification: Likely benign for Early-infantile DEE. Last evaluated: 2025-03-05. Review status: criteria provided, single submitter. Criteria: Invitae Variant Classification Sherloc (09022015). Collection method: clinical testing. Allele origin: germline.

Mayo Clinic Laboratories, Mayo Clinic
Classification: Uncertain significance. Last evaluated: 2024-06-05. Review status: criteria provided, single submitter. Criteria: ACMG Guidelines, 2015. Collection method: clinical testing. Allele origin: germline. Observed: 1 variant allele.
Comment: BS2, PP3

GeneDx
Classification: Likely benign. Last evaluated: 2019-04-16. Review status: criteria provided, single submitter. Criteria: GeneDx Variant Classification Process June 2021. Collection method: clinical testing. Allele origin: germline. Affected: yes.
Comment: Reported previously in an individual with focal seizures, developmental delay, and failure to thrive who inherited the variant from an affected parent (Butler et al., 2017); The majority of missense variants in this gene are considered pathogenic (Stenson et al., 2014); In silico analysis, which includes protein predictors and evolutionary conservation, supports a deleterious effect; This variant is associated with the following publications: (PMID: 29056246)

Eurofins Ntd Llc (ga)
Classification: Uncertain significance. Last evaluated: 2014-09-25. Review status: criteria provided, single submitter. Criteria: EGL Classification Definitions 2015. Collection method: clinical testing. Allele origin: germline. Observed: 2 variant alleles, 2 heterozygotes.

Literature cited by the submitters: PubMed 29056246 (cited by Mayo Clinic Laboratories, Mayo Clinic); PubMed 33004838 (cited by Mayo Clinic Laboratories, Mayo Clinic); PubMed 33013363 (cited by Mayo Clinic Laboratories, Mayo Clinic).

NM_001330260.2(SCN8A):c.491C>T (p.Thr164Met)

Gene: SCN8A (sodium voltage-gated channel alpha subunit 8; plus strand). Cytogenetic location: 12q13.13.
Variant type: single nucleotide variant.
Coding change: c.491C>T on transcript NM_001330260.2 (MANE Select); coding-DNA position 491, C replaced by T.
Protein change: p.Thr164Met; replaces threonine 164 with methionine.
Molecular consequence: missense variant.
Genome position (GRCh38, 1-based): chr12:51,687,096, C>T. VCF-style: chr12-51687096-C-T. GRCh37 (hg19) VCF-style: chr12-52080880-C-T.
Other names: p.Thr164Met; c.491C>T, p.Thr164Met (NM_001177984.3, NM_001369788.1, NM_014191.4); short protein forms T164M.
Identifiers: ClinVar variation 197801 (VCV000197801.21), dbSNP rs775272996, ClinGen allele CA246132.